The following is an entry in ClinVar:

NM_001018115.3(FANCD2):c.1867C>T (p.Gln623Ter)

Genes: FANCD2 (FA complementation group D2; plus strand), LOC107303338 (3p25 FANCD2 Alu-mediated recombination region; plus strand). Cytogenetic location: 3p25.3.
Variant type: single nucleotide variant.
Coding change: c.1867C>T on transcript NM_001018115.3 (MANE Select); coding-DNA position 1867, C replaced by T.
Protein change: p.Gln623Ter; replaces glutamine 623 with a stop codon.
Molecular consequence: nonsense.
Genome position (GRCh38, 1-based): chr3:10,063,831, C>T. VCF-style: chr3-10063831-C-T. GRCh37 (hg19) VCF-style: chr3-10105515-C-T.
Other names: c.1867C>T, p.Gln623Ter (NM_001319984.2, NM_001374254.1, NM_033084.6); c.1756C>T, p.Gln586Ter (NM_001374253.1); short protein forms Q586*, Q623*.
Identifiers: ClinVar variation 3023611 (VCV003023611.3), dbSNP rs758475123, ClinGen allele CA2249856.

ClinVar aggregate classification (germline): Pathogenic (1 of 4 stars; one submission).

Conditions:
Fanconi anemia (FA). Also called: Fanconi's anemia. Identifiers: Orphanet 84, MedGen C0015625, MeSH D005199, MONDO:0019391.

Allele frequency attached by ClinVar (database versions not stated): ExAC 0.00001; TOPMed 0.00003; gnomAD 0.00004.

Submission:

Labcorp Genetics (formerly Invitae), Labcorp
Classification: Pathogenic for Fanconi anemia. Last evaluated: 2024-01-22. Review status: criteria provided, single submitter. Criteria: Invitae Variant Classification Sherloc (09022015). Collection method: clinical testing. Allele origin: germline.
Comment: This sequence change creates a premature translational stop signal (p.Gln623*) in the FANCD2 gene. It is expected to result in an absent or disrupted protein product. Loss-of-function variants in FANCD2 are known to be pathogenic (PMID: 17436244). This variant is present in population databases (rs758475123, gnomAD 0.007%). This variant has not been reported in the literature in individuals affected with FANCD2-related conditions. For these reasons, this variant has been classified as Pathogenic.

Literature cited by the submitters: PubMed 17436244.